The following is an entry in ClinVar:

ClinVar aggregate classification (germline): Uncertain significance (1 of 4 stars; one submission).

Allele frequency attached by ClinVar (database versions not stated): TOPMed below 0.00001.

Submission:

Labcorp Genetics (formerly Invitae), Labcorp
Classification: Uncertain significance. Last evaluated: 2022-04-06. Review status: criteria provided, single submitter. Criteria: Invitae Variant Classification Sherloc (09022015). Collection method: clinical testing. Allele origin: germline.
Comment: This variant has not been reported in the literature in individuals affected with ICK-related conditions. In summary, the available evidence is currently insufficient to determine the role of this variant in disease. Therefore, it has been classified as a Variant of Uncertain Significance. Variants that disrupt the consensus splice site are a relatively common cause of aberrant splicing (PMID: 17576681, 9536098). Algorithms developed to predict the effect of sequence changes on RNA splicing suggest that this variant is not likely to affect RNA splicing. This variant is not present in population databases (gnomAD no frequency). This sequence change falls in intron 11 of the ICK gene. It does not directly change the encoded amino acid sequence of the ICK protein. It affects a nucleotide within the consensus splice site.

Literature cited by the submitters: PubMed 17576681; PubMed 9536098.

NM_014920.5(CILK1):c.1344-3C>A

Gene: CILK1 (ciliogenesis associated kinase 1; minus strand). Cytogenetic location: 6p12.1.
Variant type: single nucleotide variant.
Coding change: c.1344-3C>A on transcript NM_014920.5 (MANE Select); 3 bases into the intron before coding-DNA position 1344, C replaced by A.
Molecular consequence: intron variant.
Genome position (GRCh38, 1-based): chr6:53,011,920, G>T on the plus strand (C>A on the coding strand, the complement: CILK1 is on the minus strand). VCF-style: chr6-53011920-G-T. GRCh37 (hg19) VCF-style: chr6-52876718-G-T.
Other names: c.1365-3C>A (NM_001375397.1); c.1344-3C>A (NM_001375400.1, NM_016513.5, NM_001375401.1 and 3 more transcripts).
Identifiers: ClinVar variation 2122189 (VCV002122189.4), dbSNP rs1764595203, ClinGen allele CA1629054566.
Genomic context (GRCh38, chr6:53,011,920, plus strand): 5'-GGCACTGTTTCCTGTGCCCACAGGCTCAGAGGGCTTCAGGTCCAAAACACTCTCAAACCT[G>T]AATGAAGAGAGCATGGCTTGGGTCAGCACGAGAGACAGTATGTATTCTCGGATATGTACC-3'